The following is an entry in ClinVar:

NM_000057.4(BLM):c.919G>A (p.Glu307Lys)

Gene: BLM (BLM RecQ like helicase; plus strand). Cytogenetic location: 15q26.1.
Variant type: single nucleotide variant.
Coding change: c.919G>A on transcript NM_000057.4 (MANE Select); coding-DNA position 919, G replaced by A.
Protein change: p.Glu307Lys; replaces glutamic acid 307 with lysine.
Molecular consequence: missense variant. On other transcripts: 5 prime UTR variant (1).
Genome position (GRCh38, 1-based): chr15:90,751,906, G>A. VCF-style: chr15-90751906-G-A. GRCh37 (hg19) VCF-style: chr15-91295136-G-A.
Other names: c.919G>A, p.Glu307Lys (NM_001287246.2, NM_001287247.2); c.-373G>A (NM_001287248.2); short protein forms E307K.
Identifiers: ClinVar variation 3224949 (VCV003224949.3), dbSNP rs766386787, ClinGen allele CA7738390.

ClinVar aggregate classification (germline): Uncertain significance. Review status: criteria provided, multiple submitters, no conflicts (2 of 4 stars). 2 submissions from 2 submitters: Uncertain significance (2). Last evaluated 2025-03-11.

Conditions:
Hereditary cancer-predisposing syndrome. Also called: Neoplastic Syndromes, Hereditary; Tumor predisposition; Hereditary neoplastic syndrome; Hereditary Cancer Syndrome. Identifiers: Orphanet 140162, MedGen C0027672, MeSH D009386, MONDO:0015356.
Bloom syndrome (BLM). Also called: Bloom-Torre-Machacek syndrome. Identifiers: Orphanet 125, MedGen C0005859, MONDO:0008876, OMIM 210900.

Allele frequency attached by ClinVar (database versions not stated): ExAC 0.00001.
gnomAD v4.1: 1 of 1,613,058 alleles (0.000062%); highest among the groups gnomAD compares: Non-Finnish European, 0.000085%; no homozygotes.

Submissions (2):

Labcorp Genetics (formerly Invitae), Labcorp
Classification: Uncertain significance for Bloom syndrome. Last evaluated: 2025-03-11. Review status: criteria provided, single submitter. Criteria: Invitae Variant Classification Sherloc (09022015). Collection method: clinical testing. Allele origin: germline.
Comment: This sequence change replaces glutamic acid, which is acidic and polar, with lysine, which is basic and polar, at codon 307 of the BLM protein (p.Glu307Lys). This variant is present in population databases (rs766386787, gnomAD 0.0009%). This variant has not been reported in the literature in individuals affected with BLM-related conditions. ClinVar contains an entry for this variant (Variation ID: 3224949). Invitae Evidence Modeling of protein sequence and biophysical properties (such as structural, functional, and spatial information, amino acid conservation, physicochemical variation, residue mobility, and thermodynamic stability) indicates that this missense variant is not expected to disrupt BLM protein function with a negative predictive value of 80%. In summary, the available evidence is currently insufficient to determine the role of this variant in disease. Therefore, it has been classified as a Variant of Uncertain Significance.

Ambry Genetics
Classification: Uncertain significance for Hereditary cancer-predisposing syndrome. Last evaluated: 2023-02-09. Review status: criteria provided, single submitter. Criteria: Ambry Variant Classification Scheme 2023. Collection method: clinical testing. Allele origin: germline.
Comment: The p.E307K variant (also known as c.919G>A), located in coding exon 3 of the BLM gene, results from a G to A substitution at nucleotide position 919. The glutamic acid at codon 307 is replaced by lysine, an amino acid with similar properties. This amino acid position is conserved. In addition, this alteration is predicted to be tolerated by in silico analysis. Since supporting evidence is limited at this time, the clinical significance of this alteration remains unclear.